The following is an entry in ClinVar:

NM_000359.3(TGM1):c.395_398dup (p.Tyr134fs)

Gene: TGM1 (transglutaminase 1; minus strand). Cytogenetic location: 14q12.
Variant type: Duplication.
Coding change: c.395_398dup on transcript NM_000359.3 (MANE Select); coding-DNA positions 395 to 398, 4 bases duplicated (ACGA; older notation c.395_398dupACGA).
Protein change: p.Tyr134fs; shifts the reading frame from tyrosine 134.
Molecular consequence: frameshift variant.
Genome position (GRCh38, 1-based): chr14:24,261,805-24,261,808, TCGT duplicated on the plus strand (ACGA on the coding strand, the reverse complement: TGM1 is on the minus strand). VCF-style (leftmost placement, unchanged base first): chr14-24261804-C-CTCGT. GRCh37 (hg19) VCF-style: chr14-24731010-C-CTCGT.
Other names: short protein forms Y134fs.
Identifiers: ClinVar variation 1420948 (VCV001420948.8), dbSNP rs2139027728, ClinGen allele CA2573149819.

ClinVar aggregate classification (germline): Pathogenic/Likely pathogenic. Review status: criteria provided, multiple submitters, no conflicts (2 of 4 stars). 2 submissions from 2 submitters: Pathogenic (1); Likely pathogenic (1). Last evaluated 2021-10-03.

Conditions:
Autosomal recessive congenital ichthyosis 1 (LI1). Also called: ICHTHYOSIS CONGENITA; ICHTHYOSIS CONGENITA II; LAMELLAR EXFOLIATION OF NEWBORN; ICHTHYOSIS, CONGENITAL, AUTOSOMAL RECESSIVE 1, WITH BATHING SUIT DISTRIBUTION; ICHTHYOSIS, CONGENITAL, AUTOSOMAL RECESSIVE 1, WITH OR WITHOUT BATHING SUIT DISTRIBUTION; COLLODION FETUS. Identifiers: MedGen C4551630, MONDO:0009441, OMIM 242300.

Submissions (2):

Labcorp Genetics (formerly Invitae), Labcorp
Classification: Pathogenic. Last evaluated: 2021-10-03. Review status: criteria provided, single submitter. Criteria: Invitae Variant Classification Sherloc (09022015). Collection method: clinical testing. Allele origin: germline.
Comment: This sequence change creates a premature translational stop signal (p.Tyr134Argfs*3) in the TGM1 gene. It is expected to result in an absent or disrupted protein product. Loss-of-function variants in TGM1 are known to be pathogenic (PMID: 18948357, 19241467). This variant is not present in population databases (ExAC no frequency). This variant has not been reported in the literature in individuals affected with TGM1-related conditions. Algorithms developed to predict the effect of sequence changes on RNA splicing suggest that this variant may create or strengthen a splice site. For these reasons, this variant has been classified as Pathogenic.

Neuberg Centre For Genomic Medicine, NCGM
Classification: Likely pathogenic for Autosomal recessive congenital ichthyosis 1. Review status: criteria provided, single submitter. Criteria: ACMG Guidelines, 2015. Collection method: clinical testing. Allele origin: germline. Inheritance: Autosomal recessive inheritance. Affected: yes.
Comment: The frame shift c.395_398dupp.Tyr134ArgfsTer3 variant in TGM1 gene has not been reported previously as a pathogenic variant nor as a benign variant, to our knowledge. The p.Tyr134ArgfsTer3 variant is novel not in any individuals in gnomAD Exomes and 1000 Genomes. This variant has been reported to the ClinVar database as Pathogenic. This variant causes a frameshift starting with codon Tyrosine 134, changes this amino acid to Arginine residue, and creates a premature Stop codon at position 3 of the new reading frame, denoted p.Tyr134ArgfsTer3. This variant is predicted to cause loss of normal protein function through protein truncation. Loss-of-function variants in TGM1 are known to be pathogenic Herman et. al., 2009. Functional studies will be required to confirm the pathogenicity of the variant. For these reasons, this variant has been classified as Likely Pathogenic.

Literature cited by the submitters: PubMed 18948357 (cited by Labcorp Genetics (formerly Invitae), Labcorp); PubMed 19241467 (cited by Labcorp Genetics (formerly Invitae), Labcorp).